The following is an entry in ClinVar:

ClinVar aggregate classification (germline): Benign/Likely benign. Review status: criteria provided, multiple submitters, no conflicts (2 of 4 stars). 4 submissions from 4 submitters: Benign (3); Likely benign (1). Last evaluated 2026-01-27.

Conditions:
Methylmalonic aciduria and homocystinuria type cblF. Also called: METHYLMALONIC ACIDEMIA AND HOMOCYSTINURIA, cblF TYPE; METHYLMALONIC ACIDURIA DUE TO VITAMIN B12-RELEASE DEFECT; VITAMIN B12 LYSOSOMAL RELEASE DEFECT; VITAMIN B12 STORAGE DISEASE; COBALAMIN F DISEASE; COBALAMIN, DEFECT IN LYSOSOMAL RELEASE OF. Identifiers: Orphanet 79284, MedGen C1848578, MONDO:0010183, OMIM 277380.

Allele frequency attached by ClinVar (database versions not stated): 1000 Genomes Project 0.00300; 1000 Genomes Project 30x 0.00328; ESP Exome Variant Server 0.00331; gnomAD 0.00341; TOPMed 0.00371.
gnomAD v4.1: 1,058 of 1,614,098 alleles (0.066%); highest among the groups gnomAD compares: African/African-American, 1.3%; 6 homozygotes.

Submissions (4):

Labcorp Genetics (formerly Invitae), Labcorp
Classification: Benign for Methylmalonic aciduria and homocystinuria type cblF. Last evaluated: 2026-01-27. Review status: criteria provided, single submitter. Criteria: Invitae Variant Classification Sherloc (09022015). Collection method: clinical testing. Allele origin: germline.

Blueprint Genetics
Classification: Likely benign. Last evaluated: 2024-11-11. Review status: criteria provided, single submitter. Criteria: ACMG Guidelines, 2015. Collection method: clinical testing. Allele origin: germline.

Illumina Laboratory Services, Illumina
Classification: Benign for Methylmalonic aciduria and homocystinuria type cblF. Last evaluated: 2018-01-13. Review status: criteria provided, single submitter. Criteria: ICSL Variant Classification Criteria 13 December 2019. Collection method: clinical testing. Allele origin: germline.
Comment: This variant was observed in the ICSL laboratory as part of a predisposition screen in an ostensibly healthy population. It had not been previously curated by ICSL or reported in the Human Gene Mutation Database (HGMD: prior to June 1st, 2018), and was therefore a candidate for classification through an automated scoring system. Utilizing variant allele frequency, disease prevalence and penetrance estimates, and inheritance mode, an automated score was calculated to assess if this variant is too frequent to cause the disease. Based on the score and internal cut-off values, a variant classified as benign is not then subjected to further curation. The score for this variant resulted in a classification of benign for this disease.

GeneDx
Classification: Benign. Last evaluated: 2015-07-17. Review status: criteria provided, single submitter. Criteria: GeneDx Variant Classification (06012015). Collection method: clinical testing. Allele origin: germline. Affected: yes.
Comment: This variant is considered likely benign or benign based on one or more of the following criteria: it is a conservative change, it occurs at a poorly conserved position in the protein, it is predicted to be benign by multiple in silico algorithms, and/or has population frequency not consistent with disease.

NM_018368.4(LMBRD1):c.18G>C (p.Ala6=)

Gene: LMBRD1 (LMBR1 domain containing 1; minus strand). Cytogenetic location: 6q13.
Variant type: single nucleotide variant.
Coding change: c.18G>C on transcript NM_018368.4 (MANE Select); coding-DNA position 18, G replaced by C.
Protein change: p.Ala6=; no amino-acid change (alanine 6 retained).
Molecular consequence: synonymous variant.
Genome position (GRCh38, 1-based): chr6:69,796,864, C>G on the plus strand (G>C on the coding strand, the complement: LMBRD1 is on the minus strand). VCF-style: chr6-69796864-C-G. GRCh37 (hg19) VCF-style: chr6-70506756-C-G.
Identifiers: ClinVar variation 357781 (VCV000357781.16), dbSNP rs149650795, ClinGen allele CA3880051.